The following is an entry in ClinVar:

NM_000465.4(BARD1):c.1810G>T (p.Val604Leu)

Gene: BARD1 (BRCA1 associated RING domain 1; minus strand). Cytogenetic location: 2q35.
Variant type: single nucleotide variant.
Coding change: c.1810G>T on transcript NM_000465.4 (MANE Select); coding-DNA position 1810, G replaced by T.
Protein change: p.Val604Leu; replaces valine 604 with leucine.
Molecular consequence: missense variant. On other transcripts: non-coding transcript variant (3), intron variant (1).
Genome position (GRCh38, 1-based): chr2:214,745,722, C>A on the plus strand (G>T on the coding strand, the complement: BARD1 is on the minus strand). VCF-style: chr2-214745722-C-A. GRCh37 (hg19) VCF-style: chr2-215610446-C-A.
Other names: c.1753G>T, p.Val585Leu (NM_001282543.2); c.457G>T, p.Val153Leu (NM_001282545.2); c.400G>T, p.Val134Leu (NM_001282548.2); c.365-15214G>T (NM_001282549.2); short protein forms V134L, V153L, V585L, V604L.
Identifiers: ClinVar variation 1709741 (VCV001709741.2), dbSNP rs1553615089, ClinGen allele CA350452479.

ClinVar aggregate classification (germline): Uncertain significance (1 of 4 stars; one submission).

Conditions:
Familial cancer of breast. Also called: Hereditary breast cancer; BREAST CANCER, FAMILIAL; hereditary breast carcinoma. Identifiers: Orphanet 227535, MedGen C0346153, MONDO:0016419, OMIM 114480. Disease mechanism: loss of function.

Submission:

MGZ Medical Genetics Center
Classification: Uncertain significance for Familial cancer of breast. Last evaluated: 2022-08-05. Review status: criteria provided, single submitter. Criteria: ACMG Guidelines, 2015. Collection method: clinical testing. Allele origin: germline. Affected: yes. Observed: 1 variant allele.
Comment: ACMG criteria applied: PM2_SUP, PP3